The following is an entry in ClinVar:

NM_006245.4(PPP2R5D):c.26A>C (p.Lys9Thr)

Gene: PPP2R5D (protein phosphatase 2 regulatory subunit B'delta; plus strand). Cytogenetic location: 6p21.1.
Variant type: single nucleotide variant.
Coding change: c.26A>C on transcript NM_006245.4 (MANE Select); coding-DNA position 26, A replaced by C.
Protein change: p.Lys9Thr; replaces lysine 9 with threonine.
Molecular consequence: missense variant. On other transcripts: 5 prime UTR variant (1).
Genome position (GRCh38, 1-based): chr6:42,984,703, A>C. VCF-style: chr6-42984703-A-C. GRCh37 (hg19) VCF-style: chr6-42952441-A-C.
Other names: c.-445A>C (NM_001270476.2); c.26A>C, p.Lys9Thr (NM_180976.3, NM_180977.3); short protein forms K9T.
Identifiers: ClinVar variation 2025136 (VCV002025136.4), dbSNP rs1203581990, ClinGen allele CA364172787.

ClinVar aggregate classification (germline): Uncertain significance (1 of 4 stars; one submission).

Submission:

Labcorp Genetics (formerly Invitae), Labcorp
Classification: Uncertain significance. Last evaluated: 2024-10-24. Review status: criteria provided, single submitter. Criteria: Invitae Variant Classification Sherloc (09022015). Collection method: clinical testing. Allele origin: germline.
Comment: This sequence change replaces lysine, which is basic and polar, with threonine, which is neutral and polar, at codon 9 of the PPP2R5D protein (p.Lys9Thr). This variant is not present in population databases (gnomAD no frequency). This variant has not been reported in the literature in individuals affected with PPP2R5D-related conditions. ClinVar contains an entry for this variant (Variation ID: 2025136). An algorithm developed to predict the effect of missense changes on protein structure and function (PolyPhen-2) suggests that this variant is likely to be tolerated. In summary, the available evidence is currently insufficient to determine the role of this variant in disease. Therefore, it has been classified as a Variant of Uncertain Significance.